The following is an entry in ClinVar:

NM_001613.4(ACTA2):c.672C>G (p.Asp224Glu)

Genes: ACTA2-AS1 (ACTA2 antisense RNA 1; plus strand), ACTA2 (actin alpha 2, smooth muscle; minus strand). Cytogenetic location: 10q23.31.
Variant type: single nucleotide variant.
Coding change: c.672C>G on transcript NM_001613.4 (MANE Select); coding-DNA position 672, C replaced by G.
Protein change: p.Asp224Glu; replaces aspartic acid 224 with glutamic acid.
Molecular consequence: missense variant. On other transcripts: non-coding transcript variant (1), intron variant (1).
Genome position (GRCh38, 1-based): chr10:88,939,643, G>C on the plus strand (C>G on the coding strand, the complement: ACTA2 is on the minus strand). VCF-style: chr10-88939643-G-C. GRCh37 (hg19) VCF-style: chr10-90699400-G-C.
Other names: c.672C>G, p.Asp224Glu (NM_001141945.3, NM_001320855.2, NM_001406462.1 and 2 more transcripts); c.561C>G, p.Asp187Glu (NM_001406466.1); c.543C>G, p.Asp181Glu (NM_001406467.1, NM_001406468.1, NM_001406469.1); c.617-1401C>G (NM_001406471.1); short protein forms D181E, D224E, D187E.
Identifiers: ClinVar variation 4762230 (VCV004762230.1).
Genomic context (GRCh38, chr10:88,939,643, plus strand): 5'-CAACTCGTAACTCTTCTCAAGGGAGGATGAGGATGCGGCAGTGGCCATCTCATTTTCAAA[G>C]TCCAGAGCTACATAACACAGTTTCTCCTTGATGTCCCGGACAATCTCACGCTCAGCTGTC-3'
Protein context (NP_001604.1, residues 214-234): IKEKLCYVAL[Asp224Glu]FENEMATAAS

ClinVar aggregate classification (germline): Uncertain significance (1 of 4 stars; one submission).

Conditions:
Aortic aneurysm, familial thoracic 6 (AAT6). Also called: FAMILIAL THORACIC AORTIC ANEURYSM WITH LIVEDO RETICULARIS AND IRIS FLOCCULI. Identifiers: MedGen C2673186, MONDO:0012730, OMIM 611788.

Submission:

Labcorp Genetics (formerly Invitae), Labcorp
Classification: Uncertain significance for Aortic aneurysm, familial thoracic 6. Last evaluated: 2025-12-17. Review status: criteria provided, single submitter. Criteria: Invitae Variant Classification Sherloc (09022015). Collection method: clinical testing. Allele origin: germline.
Comment: This sequence change replaces aspartic acid, which is acidic and polar, with glutamic acid, which is acidic and polar, at codon 224 of the ACTA2 protein (p.Asp224Glu). This variant is present in population databases (rs745719583, gnomAD 0.003%). This variant has not been reported in the literature in individuals affected with ACTA2-related conditions. Invitae Evidence Modeling of protein sequence and biophysical properties (such as structural, functional, and spatial information, amino acid conservation, physicochemical variation, residue mobility, and thermodynamic stability) indicates that this missense variant is not expected to disrupt ACTA2 protein function with a negative predictive value of 80%. In summary, the available evidence is currently insufficient to determine the role of this variant in disease. Therefore, it has been classified as a Variant of Uncertain Significance.